The following is an entry in ClinVar:

NM_033026.6(PCLO):c.1605_1606insCCAGCAAAGCCCTCACCTCAACAGCCTGGCTCAACAAAACCCCCACCTCAACAGCCTGGCCCAGCAAAGCCCTCACCTCAACAGCCTGGCTCAACAAAACCCCCATCTCAACAGCCTGGC (p.Gly535_Ser536insProAlaLysProSerProGlnGlnProGlySerThrLysProProProGlnGlnProGlyProAlaLysProSerProGlnGlnProGlySerThrLysProProSerGlnGlnProGly)

Gene: PCLO (piccolo presynaptic cytomatrix protein; minus strand). Cytogenetic location: 7q21.11.
Variant type: Insertion.
Coding change: c.1605_1606insCCAGCAAAGCCCTCACCTCAACAGCCTGGCTCAACAAAACCCCCACCTCAACAGCCTGGCCCAGCAAAGCCCTCACCTCAACAGCCTGGCTCAACAAAACCCCCATCTCAACAGCCTGGC on transcript NM_033026.6 (MANE Select); coding-DNA positions 1605 to 1606, CCAGCAAAGCCCTCACCTCAACAGCCTGGCTCAACAAAACCCCCACCTCAACAGCCTGGCCCAGCAAAGCCCTCACCTCAACAGCCTGGCTCAACAAAACCCCCATCTCAACAGCCTGGC inserted.
Protein change: p.Gly535_Ser536insProAlaLysProSerProGlnGlnProGlySerThrLysProProProGlnGlnProGlyProAlaLysProSerProGlnGlnProGlySerThrLysProProSerGlnGlnProGly.
Molecular consequence: inframe insertion.
Genome position: GRCh38: chr7:83,155,139-83,155,140. GRCh37 (hg19): chr7:82,784,455-82,784,456.
Other names: c.1605_1606insCCAGCAAAGCCCTCACCTCAACAGCCTGGCTCAACAAAACCCCCACCTCAACAGCCTGGCCCAGCAAAGCCCTCACCTCAACAGCCTGGCTCAACAAAACCCCCATCTCAACAGCCTGGC, p.Gly535_Ser536insProAlaLysProSerProGlnGlnProGlySerThrLysProProProGlnGlnProGlyProAlaLysProSerProGlnGlnProGlySerThrLysProProSerGlnGlnProGly (NM_014510.3).
Identifiers: ClinVar variation 2063388 (VCV002063388.4), dbSNP rs2484898730, ClinGen allele CA2580077418.

ClinVar aggregate classification (germline): Uncertain significance (1 of 4 stars; one submission).

Submission:

Labcorp Genetics (formerly Invitae), Labcorp
Classification: Uncertain significance. Last evaluated: 2023-07-17. Review status: criteria provided, single submitter. Criteria: Invitae Variant Classification Sherloc (09022015). Collection method: clinical testing. Allele origin: germline.
Comment: In summary, the available evidence is currently insufficient to determine the role of this variant in disease. Therefore, it has been classified as a Variant of Uncertain Significance. Experimental studies and prediction algorithms are not available or were not evaluated, and the functional significance of this variant is currently unknown. ClinVar contains an entry for this variant (Variation ID: 2063388). This variant has not been reported in the literature in individuals affected with PCLO-related conditions. This variant is not present in population databases (gnomAD no frequency). This variant, c.1605_1606ins120, results in the insertion of 40 amino acid(s) of the PCLO protein (p.Gly535_Ser536ins40), but otherwise preserves the integrity of the reading frame.